The following is an entry in ClinVar:

NM_000136.3(FANCC):c.1034C>G (p.Ser345Cys)

Genes: AOPEP (aminopeptidase O (putative); plus strand), FANCC (FA complementation group C; minus strand). Cytogenetic location: 9q22.32.
Variant type: single nucleotide variant.
Coding change: c.1034C>G on transcript NM_000136.3 (MANE Select); coding-DNA position 1034, C replaced by G.
Protein change: p.Ser345Cys; replaces serine 345 with cysteine.
Molecular consequence: missense variant.
Genome position (GRCh38, 1-based): chr9:95,117,353, G>C on the plus strand (C>G on the coding strand, the complement: FANCC is on the minus strand). VCF-style: chr9-95117353-G-C. GRCh37 (hg19) VCF-style: chr9-97879635-G-C.
Other names: c.1034C>G, p.Ser345Cys (NM_001243743.2, NM_001243744.2); short protein forms S345C.
Identifiers: ClinVar variation 4254372 (VCV004254372.1).

ClinVar aggregate classification (germline): Uncertain significance (1 of 4 stars; one submission).

Conditions:
Hereditary cancer-predisposing syndrome. Also called: Hereditary Cancer Syndrome; Hereditary neoplastic syndrome; Neoplastic Syndromes, Hereditary; Tumor predisposition. Identifiers: Orphanet 140162, MedGen C0027672, MeSH D009386, MONDO:0015356.

Submission:

Ambry Genetics
Classification: Uncertain significance for Hereditary cancer-predisposing syndrome. Last evaluated: 2025-09-10. Review status: criteria provided, single submitter. Criteria: Ambry Variant Classification Scheme 2023. Collection method: clinical testing. Allele origin: germline.
Comment: The p.S345C variant (also known as c.1034C>G), located in coding exon 10 of the FANCC gene, results from a C to G substitution at nucleotide position 1034. The serine at codon 345 is replaced by cysteine, an amino acid with dissimilar properties. This amino acid position is conserved. In addition, this alteration is predicted to be tolerated by in silico analysis. Based on the available evidence, the clinical significance of this variant remains unclear.